The following is an entry in ClinVar:

ClinVar aggregate classification (germline): Uncertain significance (1 of 4 stars; one submission).

Conditions:
Seizures, benign familial neonatal, 2. Also called: Benign Neonatal Epilepsy 2; Seizures, benign neonatal, 2; KCNQ3-Related Self-Limited Familial Neonatal Epilepsy (SLFNE); CONVULSIONS, BENIGN FAMILIAL NEONATAL, 2; KCNQ3-Related Benign Familial Neonatal Epilepsy. Identifiers: Orphanet 1949, MedGen C1852581, MONDO:0007366, OMIM 121201.

Submission:

Juno Genomics, Hangzhou Juno Genomics, Inc
Classification: Uncertain significance for Seizures, benign familial neonatal, 2. Review status: criteria provided, single submitter. Criteria: ACMG Guidelines, 2015. Collection method: clinical testing. Allele origin: germline.
Comment: Absent from controls (or at extremely low frequency if recessive) in Genome Aggregation Database.;Null variant in a gene where loss of function (LOF) is a known mechanism of disease.

NM_004519.4(KCNQ3):c.2608A>T (p.Lys870Ter)

Gene: KCNQ3 (potassium voltage-gated channel subfamily Q member 3; minus strand). Cytogenetic location: 8q24.22.
Variant type: single nucleotide variant.
Coding change: c.2608A>T on transcript NM_004519.4 (MANE Select); coding-DNA position 2608, A replaced by T.
Protein change: p.Lys870Ter; replaces lysine 870 with a stop codon.
Molecular consequence: nonsense.
Genome position (GRCh38, 1-based): chr8:132,129,273, T>A on the plus strand (A>T on the coding strand, the complement: KCNQ3 is on the minus strand). VCF-style: chr8-132129273-T-A. GRCh37 (hg19) VCF-style: chr8-133141520-T-A.
Other names: c.2248A>T, p.Lys750Ter (NM_001204824.2); short protein forms K750*, K870*.
Identifiers: ClinVar variation 5019318 (VCV005019318.2).
Genomic context (GRCh38, chr8:132,129,273, plus strand): 5'-TATACAAAGTCTGTCTACATTACAAGGAGGGGTCAGCCAGTGACCTCTTTTAAATGGGCT[T>A]ATTGGAAGGGGTCCATACTGAATCAGAAATCCCATCCCCTGTGGACGACAGAGGCATGGA-3'